The following is an entry in ClinVar:

NM_002578.5(PAK3):c.417C>A (p.Ser139Arg)

Gene: PAK3 (p21 (RAC1) activated kinase 3; plus strand). Cytogenetic location: Xq23.
Variant type: single nucleotide variant.
Coding change: c.417C>A on transcript NM_002578.5 (MANE Select); coding-DNA position 417, C replaced by A.
Protein change: p.Ser139Arg; replaces serine 139 with arginine.
Molecular consequence: missense variant. On other transcripts: non-coding transcript variant (2).
Genome position (GRCh38, 1-based): chrX:111,147,877, C>A. VCF-style: chrX-111147877-C-A. GRCh37 (hg19) VCF-style: chrX-110391105-C-A.
Other names: c.417C>A, p.Ser139Arg (NM_001128166.3, NM_001128167.3, NM_001324325.2 and 5 more transcripts); c.525C>A, p.Ser175Arg (NM_001128168.3); c.480C>A, p.Ser160Arg (NM_001128172.2); c.462C>A, p.Ser154Arg (NM_001128173.3, NM_001324327.2, NM_001324328.2 and 2 more transcripts); short protein forms S154R, S160R, S175R, S139R.
Identifiers: ClinVar variation 3730994 (VCV003730994.1).
Genomic context (GRCh38, chrX:111,147,877, plus strand): 5'-TCTAGATGTTCTCAAATTCTATGATTCCAAAGAAACAGTCAACAACCAGAAATACATGAG[C>A]TTTACATCAGGAGGTAAGAGGAAGTCTGTGGTATCAAAGGTGAAAAAGTAATTTCAATTT-3'
Protein context (NP_002569.1, residues 129-149): KETVNNQKYM[Ser139Arg]FTSGDKSAHG

ClinVar aggregate classification (germline): Uncertain significance (1 of 4 stars; one submission).

Submission:

GeneDx
Classification: Uncertain significance. Last evaluated: 2024-08-15. Review status: criteria provided, single submitter. Criteria: GeneDx Variant Classification Process June 2021. Collection method: clinical testing. Allele origin: germline. Affected: yes.
Comment: Not observed at significant frequency in large population cohorts (gnomAD); In silico analysis supports that this missense variant has a deleterious effect on protein structure/function; Has not been previously published as pathogenic or benign to our knowledge